The following is an entry in ClinVar:

ClinVar aggregate classification (germline): Benign (0 of 4 stars; one submission).

Conditions:
HSPA1L-related disorder. Also called: HSPA1L-related condition.

Allele frequency attached by ClinVar (database versions not stated): ESP Exome Variant Server 0.00915; 1000 Genomes Project 30x 0.01234; 1000 Genomes Project 0.01278.
gnomAD v4.1: 8,722 of 1,614,128 alleles (0.54%); highest among the groups gnomAD compares: African/African-American, 2%; 58 homozygotes.

Submission:

PreventionGenetics, part of Exact Sciences
Classification: Benign for HSPA1L-related condition. Last evaluated: 2019-03-08. Review status: no assertion criteria provided. Collection method: clinical testing. Allele origin: germline.
Comment: This variant is classified as benign based on ACMG/AMP sequence variant interpretation guidelines (Richards et al. 2015 PMID: 25741868, with internal and published modifications).

NM_005527.4(HSPA1L):c.22G>C (p.Ala8Pro)

Gene: HSPA1L (heat shock protein family A (Hsp70) member 1 like; minus strand). Cytogenetic location: 6p21.33.
Variant type: single nucleotide variant.
Coding change: c.22G>C on transcript NM_005527.4 (MANE Select); coding-DNA position 22, G replaced by C.
Protein change: p.Ala8Pro; replaces alanine 8 with proline.
Molecular consequence: missense variant.
Genome position (GRCh38, 1-based): chr6:31,811,951, C>G on the plus strand (G>C on the coding strand, the complement: HSPA1L is on the minus strand). VCF-style: chr6-31811951-C-G. GRCh37 (hg19) VCF-style: chr6-31779728-C-G.
Other names: short protein forms A8P.
Identifiers: ClinVar variation 3056962 (VCV003056962.2), dbSNP rs9469057, ClinGen allele CA3724157.
Genomic context (GRCh38, chr6:31,811,951, plus strand): 5'-CCTTGCCGTGCTGGAACACCCCCACACAGGAGTAGGTGGTGCCCAGGTCGATGCCTATGG[C>G]GATTCCCTTGGCAGTAGCCATGGTTCTCTGAGGCCTATGGAGAAAGAATAAGATACTGTT-3'
Protein context (NP_005518.3, residues 1-18): MATAKGI[Ala8Pro]IGIDLGTTYS